The following is an entry in ClinVar:

NM_000548.5(TSC2):c.2545+31C>T

Gene: TSC2 (TSC complex subunit 2; plus strand). Cytogenetic location: 16p13.3.
Variant type: single nucleotide variant.
Coding change: c.2545+31C>T on transcript NM_000548.5 (MANE Select); 31 bases into the intron after coding-DNA position 2545, C replaced by T.
Molecular consequence: intron variant.
Genome position (GRCh38, 1-based): chr16:2,074,420, C>T. VCF-style: chr16-2074420-C-T. GRCh37 (hg19) VCF-style: chr16-2124421-C-T.
Other names: c.2545+31C>T (NM_001114382.3, NM_021055.3, NM_001370405.1 and 3 more transcripts); c.2434+31C>T (NM_001318827.2); c.1945+31C>T (NM_001318831.2); c.2398+31C>T (NM_001318829.2); c.2578+31C>T (NM_001318832.2).
Identifiers: ClinVar variation 49727 (VCV000049727.5), dbSNP rs45517243, ClinGen allele CA017609.

ClinVar aggregate classification (germline): Benign/Likely benign. Review status: criteria provided, multiple submitters, no conflicts (2 of 4 stars). 4 submissions from 4 submitters: Benign (1); Likely benign (2). 1 of the submissions does not count toward it. Last evaluated 2026-03-30.

Conditions:
Tuberous sclerosis syndrome (TSC). Also called: Tuberous Sclerosis Complex; Tuberous sclerosis. Identifiers: Orphanet 805, MedGen C0041341, MONDO:0001734.
Tuberous sclerosis 2 (TSC2). Identifiers: Orphanet 805, MedGen C1860707, MONDO:0013199, OMIM 613254.

Allele frequency attached by ClinVar (database versions not stated): 1000 Genomes Project 0.00479; TOPMed 0.00597; gnomAD 0.00548 and 0.00499; ESP Exome Variant Server 0.00523; 1000 Genomes Project 30x 0.00547; gnomAD exomes 0.00136; ExAC 0.00156.
gnomAD v4.1: 1,545 of 1,604,562 alleles (0.096%); highest among the groups gnomAD compares: African/African-American, 1.7%; 13 homozygotes.

Submissions (4):

Dasa
Classification: Benign for Tuberous sclerosis 2. Last evaluated: 2026-03-30. Review status: criteria provided, single submitter. Criteria: DASA Assertion Criteria. Collection method: clinical testing. Allele origin: germline.
Comment: NM_000548.5(TSC2):c.2545+31C>T is an intronic variant. Population frequency is inconsistent with a disease-causing role for this variant, observations in unaffected individuals support a benign interpretation, and the variant context is inconsistent with a known disease-causing mechanism. Therefore, based on the currently available evidence, this variant is classified as benign.

GeneDx
Classification: Likely benign. Last evaluated: 2018-06-16. Review status: criteria provided, single submitter. Criteria: GeneDx Variant Classification (06012015). Collection method: clinical testing. Allele origin: germline. Affected: yes.
Comment: This variant is considered likely benign or benign based on one or more of the following criteria: it is a conservative change, it occurs at a poorly conserved position in the protein, it is predicted to be benign by multiple in silico algorithms, and/or has population frequency not consistent with disease.

Breakthrough Genomics
Classification: Likely benign. Review status: criteria provided, single submitter. Criteria: ACMG Guidelines, 2015. Collection method: not provided. Allele origin: germline. Inheritance: Autosomal dominant inheritance. Affected: yes.

Tuberous sclerosis database (TSC2)
No classification provided. Condition: TSC. Review status: no classification provided. Criteria: Tuberous Sclerosis Database Assertion Criteria 2015. Collection method: curation. Allele origin: germline. Affected: yes. Not counted in ClinVar's aggregate classification.